The following is an entry in ClinVar:

NM_015311.3(OBSL1):c.2100_2122del (p.Gly701fs)

Gene: OBSL1 (obscurin like cytoskeletal adaptor 1; minus strand). Cytogenetic location: 2q35.
Variant type: Deletion.
Coding change: c.2100_2122del on transcript NM_015311.3 (MANE Select); coding-DNA positions 2100 to 2122, 23 bases deleted (CGGCGTGCAGGACTCAGCTGCCC).
Protein change: p.Gly701fs; shifts the reading frame from glycine 701.
Molecular consequence: frameshift variant.
Genome position (GRCh38, 1-based): chr2:219,566,842-219,566,864, GGGCAGCTGAGTCCTGCACGCCG deleted on the plus strand (CGGCGTGCAGGACTCAGCTGCCC on the coding strand, the reverse complement: OBSL1 is on the minus strand); deleting any 23 consecutive bases within chr2:219,566,842-219,566,874 gives the same sequence; the c. name uses the placement nearest the transcript's 3' end. VCF-style (leftmost placement, unchanged base first): chr2-219566841-AGGGCAGCTGAGTCCTGCACGCCG-A. GRCh37 (hg19) VCF-style: chr2-220431563-AGGGCAGCTGAGTCCTGCACGCCG-A.
Other names: c.2100_2122del, p.Gly701fs (NM_001173408.2, NM_001173431.2); short protein forms G701fs.
Identifiers: ClinVar variation 2026486 (VCV002026486.4), dbSNP rs757869728, ClinGen allele CA2131329.

ClinVar aggregate classification (germline): Pathogenic (1 of 4 stars; one submission).

Submission:

Labcorp Genetics (formerly Invitae), Labcorp
Classification: Pathogenic. Last evaluated: 2022-10-08. Review status: criteria provided, single submitter. Criteria: Invitae Variant Classification Sherloc (09022015). Collection method: clinical testing. Allele origin: germline.
Comment: For these reasons, this variant has been classified as Pathogenic. This variant has not been reported in the literature in individuals affected with OBSL1-related conditions. This variant is present in population databases (rs757869728, gnomAD 0.01%). This sequence change creates a premature translational stop signal (p.Gly701Hisfs*31) in the OBSL1 gene. It is expected to result in an absent or disrupted protein product. Loss-of-function variants in OBSL1 are known to be pathogenic (PMID: 19481195, 19877176).

Literature cited by the submitters: PubMed 19481195; PubMed 19877176.